The following is an entry in ClinVar:

GRCh38/hg38 16q23.2(chr16:80975821-81354743)x3

Genes: ATMIN (ATM interactor; plus strand), BCO1 (beta-carotene oxygenase 1; plus strand), C16orf46 (chromosome 16 open reading frame 46; minus strand), C16orf46-AS1 (C16orf46 antisense RNA 1; plus strand), CENPN (centromere protein N; plus strand) and 19 more. Cytogenetic location: 16q23.2.
Variant type: copy number gain.
Change: copy number 3 (three copies instead of two) of chr16:80,975,821-81,354,743 (378.9 kb, GRCh38 coordinates, 1-based), cytogenetic band 16q23.2.
Identifiers: ClinVar variation 60058 (VCV000060058.1).

ClinVar aggregate classification (germline): Uncertain significance (1 of 4 stars; one submission).

Submission:

ISCA site 15
Classification: Uncertain significance. Last evaluated: 2011-08-12. Review status: criteria provided, single submitter. Criteria: Kaminsky et al. (Genet Med. 2011). Collection method: clinical testing. Allele origin: unknown. Affected: yes. Observed: 1 variant allele.
Comment: Copy number variation identified through the course of routine clinical cytogenomic testing in postnatal populations. Clinical assertions have been curated as described in Kaminsky et al. 2011.